The following is an entry in ClinVar:

ClinVar aggregate classification (germline): Uncertain significance. Review status: criteria provided, multiple submitters, no conflicts (2 of 4 stars). 2 submissions from 2 submitters: Uncertain significance (2). Last evaluated 2024-03-15.

Submissions (2):

Labcorp Genetics (formerly Invitae), Labcorp
Classification: Uncertain significance. Last evaluated: 2024-03-15. Review status: criteria provided, single submitter. Criteria: Invitae Variant Classification Sherloc (09022015). Collection method: clinical testing. Allele origin: germline.
Comment: This sequence change replaces glycine, which is neutral and non-polar, with arginine, which is basic and polar, at codon 242 of the GATA3 protein (p.Gly242Arg). This variant is present in population databases (rs11567901, gnomAD 0.07%), and has an allele count higher than expected for a pathogenic variant. This variant has not been reported in the literature in individuals affected with GATA3-related conditions. ClinVar contains an entry for this variant (Variation ID: 1311829). Advanced modeling of protein sequence and biophysical properties (such as structural, functional, and spatial information, amino acid conservation, physicochemical variation, residue mobility, and thermodynamic stability) performed at Invitae indicates that this missense variant is not expected to disrupt GATA3 protein function with a negative predictive value of 80%. In summary, the available evidence is currently insufficient to determine the role of this variant in disease. Therefore, it has been classified as a Variant of Uncertain Significance.

GeneDx
Classification: Uncertain significance. Last evaluated: 2020-01-06. Review status: criteria provided, single submitter. Criteria: GeneDx Variant Classification Process June 2021. Collection method: clinical testing. Allele origin: germline. Affected: yes.
Comment: In silico analysis, which includes protein predictors and evolutionary conservation, supports that this variant does not alter protein structure/function; Has not been previously published as pathogenic or benign to our knowledge

NM_001002295.2(GATA3):c.724G>C (p.Gly242Arg)

Gene: GATA3 (GATA binding protein 3; plus strand). Cytogenetic location: 10p14.
Variant type: single nucleotide variant.
Coding change: c.724G>C on transcript NM_001002295.2 (MANE Select); coding-DNA position 724, G replaced by C.
Protein change: p.Gly242Arg; replaces glycine 242 with arginine.
Molecular consequence: missense variant.
Genome position (GRCh38, 1-based): chr10:8,058,787, G>C. VCF-style: chr10-8058787-G-C. GRCh37 (hg19) VCF-style: chr10-8100750-G-C.
Other names: c.724G>C, p.Gly242Arg (NM_002051.3); short protein forms G242R.
Identifiers: ClinVar variation 1311829 (VCV001311829.4), dbSNP rs11567901, ClinGen allele CA5404441.